The following is an entry in ClinVar:

NM_007194.4(CHEK2):c.405del (p.Lys135fs)

Gene: CHEK2 (checkpoint kinase 2; minus strand). Cytogenetic location: 22q12.1.
Variant type: Deletion.
Coding change: c.405del on transcript NM_007194.4 (MANE Select); coding-DNA position 405, one base deleted (A; older notation c.405delA).
Protein change: p.Lys135fs; shifts the reading frame from lysine 135.
Molecular consequence: frameshift variant.
Genome position (GRCh38, 1-based): chr22:28,725,282, T deleted on the plus strand (A on the coding strand, the reverse complement: CHEK2 is on the minus strand); the first of 3 consecutive T bases (chr22:28,725,282-28,725,284); deleting any one gives the same sequence. VCF-style (leftmost placement, unchanged base first): chr22-28725281-AT-A. GRCh37 (hg19) VCF-style: chr22-29121269-AT-A.
Other names: c.405del (NM_007194.3); c.532delA, p.Lys178Asnfs (NM_001005735.3); c.-375delA (NM_001257387.3); c.403delA, p.Lys135Asnfs (NM_001349956.3, NM_145862.3); short protein forms K178fs, K135fs.
Identifiers: ClinVar variation 182449 (VCV000182449.19), dbSNP rs730881699, ClinGen allele CA299108.
Genomic context (GRCh38, chr22:28,725,281, plus strand): 5'-TACATGGGTATTCATTACCTACCCTGAAAATCCGAAAGTGTTTCTTGCTGTATGTTCGGT[AT>A]TTATCTGTTCTTTTCAGCAGTGGTTCATCAAAGCAATATTCACAGCTTTTGTCCCTCCCA-3'

ClinVar aggregate classification (germline): Pathogenic. Review status: criteria provided, multiple submitters, no conflicts (2 of 4 stars). 5 submissions from 5 submitters: Pathogenic (5). Last evaluated 2024-06-18.

Conditions:
Hereditary cancer-predisposing syndrome. Also called: Tumor predisposition; Hereditary Cancer Syndrome; Hereditary neoplastic syndrome; Neoplastic Syndromes, Hereditary. Identifiers: Orphanet 140162, MedGen C0027672, MeSH D009386, MONDO:0015356.
Familial cancer of breast. Also called: BREAST CANCER, FAMILIAL; Hereditary breast cancer; hereditary breast carcinoma. Identifiers: Orphanet 227535, MedGen C0346153, MONDO:0016419, OMIM 114480. Disease mechanism: loss of function.

Submissions (5):

Labcorp Genetics (formerly Invitae), Labcorp
Classification: Pathogenic for Familial cancer of breast. Last evaluated: 2024-06-18. Review status: criteria provided, single submitter. Criteria: Invitae Variant Classification Sherloc (09022015). Collection method: clinical testing. Allele origin: germline.
Comment: This sequence change creates a premature translational stop signal (p.Lys135Asnfs*26) in the CHEK2 gene. It is expected to result in an absent or disrupted protein product. Loss-of-function variants in CHEK2 are known to be pathogenic (PMID: 21876083, 24713400). This variant is not present in population databases (gnomAD no frequency). This premature translational stop signal has been observed in individual(s) with breast cancer (PMID: 21244692). ClinVar contains an entry for this variant (Variation ID: 182449). For these reasons, this variant has been classified as Pathogenic.

GeneDx
Classification: Pathogenic. Last evaluated: 2024-05-31. Review status: criteria provided, single submitter. Criteria: GeneDx Variant Classification Process June 2021. Collection method: clinical testing. Allele origin: germline. Affected: yes.
Comment: Frameshift variant predicted to result in protein truncation or nonsense mediated decay in a gene for which loss of function is a known mechanism of disease; Published functional studies demonstrate a damaging effect: reduced Kap1 phosphorylation (PMID: 34903604); Not observed at significant frequency in large population cohorts (gnomAD); This variant is associated with the following publications: (PMID: 32805687, 26787654, 21244692, 26681312, 34308104, 33804961, 33803639, 34903604, 32923877, 34887416)

Baylor Genetics
Classification: Pathogenic for Familial cancer of breast. Last evaluated: 2024-02-14. Review status: criteria provided, single submitter. Criteria: ACMG Guidelines, 2015. Collection method: clinical testing. Allele origin: unknown.

Myriad Genetics, Inc.
Classification: Pathogenic for Familial cancer of breast. Last evaluated: 2023-06-23. Review status: criteria provided, single submitter. Criteria: Myriad Autosomal Dominant, Autosomal Recessive and X-Linked Classification Criteria (2023). Collection method: clinical testing. Allele origin: unknown.
Comment: This variant is considered pathogenic. This variant creates a frameshift predicted to result in premature protein truncation.

Ambry Genetics
Classification: Pathogenic for Hereditary cancer-predisposing syndrome. Last evaluated: 2022-08-10. Review status: criteria provided, single submitter. Criteria: Ambry Variant Classification Scheme 2023. Collection method: clinical testing. Allele origin: germline.
Comment: The c.405delA pathogenic mutation, located in coding exon 2 of the CHEK2 gene, results from a deletion of one nucleotide at nucleotide position 405, causing a translational frameshift with a predicted alternate stop codon (p.K135Nfs*26). This mutation has been observed in multiple families with breast cancer (Le Calvez-Kelm F et al. Breast Cancer Res. 2011 Jan;13:R6; Susswein LR et al. Genet Med. 2016 Aug;18(8):823-32). This variant is also considered to be rare based on population cohorts in the Genome Aggregation Database (gnomAD). In addition to the clinical data presented in the literature, this alteration is expected to result in loss of function by premature protein truncation or nonsense-mediated mRNA decay. As such, this alteration is interpreted as a disease-causing mutation.

Literature cited by the submitters: PubMed 21876083 (cited by Labcorp Genetics (formerly Invitae), Labcorp); PubMed 24713400 (cited by Labcorp Genetics (formerly Invitae), Labcorp); PubMed 21244692 (cited by Labcorp Genetics (formerly Invitae), Labcorp and Ambry Genetics).